The following is an entry in ClinVar:

ClinVar aggregate classification (germline): Uncertain significance. Review status: criteria provided, multiple submitters, no conflicts (2 of 4 stars). 3 submissions from 3 submitters: Uncertain significance (3). Last evaluated 2025-06-30.

Conditions:
Inborn genetic diseases. Identifiers: MedGen C0950123, MeSH D030342.

Allele frequency attached by ClinVar (database versions not stated): TOPMed 0.00002; gnomAD 0.00003.
gnomAD v4.1: 48 of 1,532,480 alleles (0.0031%); highest among the groups gnomAD compares: African/African-American, 0.0055%; no homozygotes.

Submissions (3):

ARUP Laboratories, Molecular Genetics and Genomics, ARUP Laboratories
Classification: Uncertain significance. Last evaluated: 2025-06-30. Review status: criteria provided, single submitter. Criteria: ARUP Molecular Germline Variant Investigation Process 2024. Collection method: clinical testing. Allele origin: germline.
Comment: The PIEZO1 c.1186C>T; p.Arg396Trp variant (rs781663754), to our knowledge, is not reported in the medical literature but is reported in ClinVar (Variation ID: 2282685). This variant is only observed on two alleles in the Genome Aggregation Database (v2.1.1), indicating it is not a common polymorphism. Computational analyses are uncertain whether this variant is neutral or deleterious (REVEL: 0.193). Due to limited information, the clinical significance of this variant is uncertain at this time.

GeneDx
Classification: Uncertain significance. Last evaluated: 2023-03-24. Review status: criteria provided, single submitter. Criteria: GeneDx Variant Classification Process June 2021. Collection method: clinical testing. Allele origin: germline. Affected: yes.
Comment: In silico analysis supports that this missense variant does not alter protein structure/function; Has not been previously published as pathogenic or benign to our knowledge

Ambry Genetics
Classification: Uncertain significance for Inborn genetic diseases. Last evaluated: 2022-04-08. Review status: criteria provided, single submitter. Criteria: Ambry Variant Classification Scheme 2023. Collection method: clinical testing. Allele origin: germline.

NM_001142864.4(PIEZO1):c.1186C>T (p.Arg396Trp)

Genes: HSALR1 (HSP90AB1 associated lncRNA 1; plus strand), PIEZO1 (piezo type mechanosensitive ion channel component 1 (Er blood group); minus strand), LOC130059751 (ATAC-STARR-seq lymphoblastoid silent region 7872; plus strand). Cytogenetic location: 16q24.3.
Variant type: single nucleotide variant.
Coding change: c.1186C>T on transcript NM_001142864.4 (MANE Select); coding-DNA position 1186, C replaced by T.
Protein change: p.Arg396Trp; replaces arginine 396 with tryptophan.
Molecular consequence: missense variant.
Genome position (GRCh38, 1-based): chr16:88,737,568, G>A on the plus strand (C>T on the coding strand, the complement: PIEZO1 is on the minus strand). VCF-style: chr16-88737568-G-A. GRCh37 (hg19) VCF-style: chr16-88803976-G-A.
Other names: short protein forms R396W.
Identifiers: ClinVar variation 2282685 (VCV002282685.4), dbSNP rs781663754, ClinGen allele CA397120072.